The following is an entry in ClinVar:

ClinVar aggregate classification (germline): Likely benign. Review status: criteria provided, multiple submitters, no conflicts (2 of 4 stars). 7 submissions from 7 submitters: Likely benign (4). 3 of the submissions do not count toward it. Last evaluated 2026-07-01.

Conditions:
B4GALT7-related disorder. Also called: B4GALT7-related condition.
Spondylodysplastic Ehlers-Danlos syndrome. Identifiers: Orphanet 536471, Orphanet 75496, MedGen C5680154, MONDO:0007526.

Allele frequency attached by ClinVar (database versions not stated): TOPMed 0.00007; gnomAD 0.00009; 1000 Genomes Project 30x 0.00016; 1000 Genomes Project 0.00020.
gnomAD v4.1: 169 of 1,614,002 alleles (0.01%); highest among the groups gnomAD compares: Non-Finnish European, 0.013%; no homozygotes.

Submissions (7):

CeGaT Center for Human Genetics Tuebingen
Classification: Likely benign. Last evaluated: 2026-07-01. Review status: criteria provided, single submitter. Criteria: CeGaT Center For Human Genetics Tuebingen Variant Classification Criteria Version 2. Collection method: clinical testing. Allele origin: germline. Affected: yes. Observed: 2 variant alleles.
Comment: B4GALT7: BP4, BP7

Labcorp Genetics (formerly Invitae), Labcorp
Classification: Likely benign for Spondylodysplastic Ehlers-Danlos syndrome. Last evaluated: 2025-12-06. Review status: criteria provided, single submitter. Criteria: Invitae Variant Classification Sherloc (09022015). Collection method: clinical testing. Allele origin: germline.

Women's Health and Genetics/Laboratory Corporation of America, LabCorp
Classification: Likely benign. Last evaluated: 2025-04-03. Review status: criteria provided, single submitter. Criteria: LabCorp Variant Classification Summary - May 2015. Collection method: clinical testing. Allele origin: germline.

Blueprint Genetics
Classification: Likely benign. Last evaluated: 2023-07-18. Review status: criteria provided, single submitter. Criteria: ACMG Guidelines, 2015. Collection method: clinical testing. Allele origin: germline.

PreventionGenetics, part of Exact Sciences
Classification: Likely benign for B4GALT7-related condition. Last evaluated: 2022-10-12. Review status: no assertion criteria provided. Collection method: clinical testing. Allele origin: germline. Not counted in ClinVar's aggregate classification.
Comment: This variant is classified as likely benign based on ACMG/AMP sequence variant interpretation guidelines (Richards et al. 2015 PMID: 25741868, with internal and published modifications).

Clinical Genetics DNA and cytogenetics Diagnostics Lab, Erasmus MC, Erasmus Medical Center
Classification: Likely benign. Review status: no assertion criteria provided. Collection method: clinical testing. Allele origin: germline. Affected: yes. Study: VKGL Data-share Consensus. Not counted in ClinVar's aggregate classification.

Genome Diagnostics Laboratory, Amsterdam University Medical Center
Classification: Likely benign. Review status: no assertion criteria provided. Collection method: clinical testing. Allele origin: germline. Affected: yes. Study: VKGL Data-share Consensus. Not counted in ClinVar's aggregate classification.

NM_007255.3(B4GALT7):c.909C>T (p.Gly303=)

Gene: B4GALT7 (beta-1,4-galactosyltransferase 7; plus strand). Cytogenetic location: 5q35.3.
Variant type: single nucleotide variant.
Coding change: c.909C>T on transcript NM_007255.3 (MANE Select); coding-DNA position 909, C replaced by T.
Protein change: p.Gly303=; no amino-acid change (glycine 303 retained).
Molecular consequence: synonymous variant.
Genome position (GRCh38, 1-based): chr5:177,609,620, C>T. VCF-style: chr5-177609620-C-T. GRCh37 (hg19) VCF-style: chr5-177036621-C-T.
Other names: c.909C>T (NM_007255.2).
Identifiers: ClinVar variation 1209912 (VCV001209912.19), dbSNP rs557374282, ClinGen allele CA3586738.